The following is an entry in ClinVar:

ClinVar aggregate classification (germline): Uncertain significance (1 of 4 stars; one submission).

Conditions:
Skeletal overgrowth-craniofacial dysmorphism-hyperelastic skin-white matter lesions syndrome. Also called: SKELETAL OVERGROWTH WITH FACIAL DYSMORPHISM, HYPERELASTIC SKIN, WHITE MATTER LESIONS, AND NEUROLOGIC DETERIORATION; Kosaki overgrowth syndrome. Identifiers: Orphanet 477831, MedGen C4225270, MONDO:0014704, OMIM 616592.

Submission:

Dasa
Classification: Uncertain significance for Skeletal overgrowth-craniofacial dysmorphism-hyperelastic skin-white matter lesions syndrome. Last evaluated: 2025-11-14. Review status: criteria provided, single submitter. Criteria: DASA Assertion Criteria. Collection method: clinical testing. Allele origin: germline.
Comment: NM_002609.4(PDGFRB):c.592G>A (p.Glu198Lys) is a missense variant that results in the substitution of glutamic acid with lysine. This variant is absent from population databases. Computational prediction algorithms are consistent with a benign effect. The currently available literature and clinical evidence are not sufficient to establish a definitive association between this variant and the reported condition. Therefore, this variant is classified as a variant of uncertain significance.

NM_002609.4(PDGFRB):c.592G>A (p.Glu198Lys)

Gene: PDGFRB (platelet derived growth factor receptor beta; minus strand). Cytogenetic location: 5q32.
Variant type: single nucleotide variant.
Coding change: c.592G>A on transcript NM_002609.4 (MANE Select); coding-DNA position 592, G replaced by A.
Protein change: p.Glu198Lys; replaces glutamic acid 198 with lysine.
Molecular consequence: missense variant. On other transcripts: synonymous variant (1).
Genome position (GRCh38, 1-based): chr5:150,134,789, C>T on the plus strand (G>A on the coding strand, the complement: PDGFRB is on the minus strand). VCF-style: chr5-150134789-C-T. GRCh37 (hg19) VCF-style: chr5-149514352-C-T.
Other names: c.400G>A, p.Glu134Lys (NM_001355016.2); c.75G>A, p.Gly25= (NM_001355017.2); short protein forms E134K, E198K.
Identifiers: ClinVar variation 4881009 (VCV004881009.2).